The following is an entry in ClinVar:

NM_001371986.1(UNC80):c.3954G>T (p.Glu1318Asp)

Gene: UNC80 (unc-80 subunit of NALCN channel complex; plus strand). Cytogenetic location: 2q34.
Variant type: single nucleotide variant.
Coding change: c.3954G>T on transcript NM_001371986.1 (MANE Select); coding-DNA position 3954, G replaced by T.
Protein change: p.Glu1318Asp; replaces glutamic acid 1318 with aspartic acid.
Molecular consequence: missense variant.
Genome position (GRCh38, 1-based): chr2:209,878,067, G>T. VCF-style: chr2-209878067-G-T. GRCh37 (hg19) VCF-style: chr2-210742791-G-T.
Other names: c.3960G>T, p.Glu1320Asp (NM_032504.2); c.3945G>T, p.Glu1315Asp (NM_182587.4); c.3960G>T (NM_032504.1); short protein forms E1315D, E1320D, E1318D.
Identifiers: ClinVar variation 1492608 (VCV001492608.7), dbSNP rs2124891102, ClinGen allele CA350745976.

ClinVar aggregate classification (germline): Uncertain significance. Review status: criteria provided, multiple submitters, no conflicts (2 of 4 stars). 2 submissions from 2 submitters: Uncertain significance (2). Last evaluated 2025-09-01.

Conditions:
Inborn genetic diseases. Identifiers: MedGen C0950123, MeSH D030342.

gnomAD v4.1: 6 of 1,540,074 alleles (0.00039%); highest among the groups gnomAD compares: South Asian, 0.0073%; no homozygotes.

Submissions (2):

Ambry Genetics
Classification: Uncertain significance for Inborn genetic diseases. Last evaluated: 2025-09-01. Review status: criteria provided, single submitter. Criteria: Ambry Variant Classification Scheme 2023. Collection method: clinical testing. Allele origin: germline.

Labcorp Genetics (formerly Invitae), Labcorp
Classification: Uncertain significance. Last evaluated: 2024-02-16. Review status: criteria provided, single submitter. Criteria: Invitae Variant Classification Sherloc (09022015). Collection method: clinical testing. Allele origin: germline.
Comment: This sequence change replaces glutamic acid, which is acidic and polar, with aspartic acid, which is acidic and polar, at codon 1320 of the UNC80 protein (p.Glu1320Asp). This variant is not present in population databases (gnomAD no frequency). This variant has not been reported in the literature in individuals affected with UNC80-related conditions. ClinVar contains an entry for this variant (Variation ID: 1492608). Algorithms developed to predict the effect of missense changes on protein structure and function output the following: SIFT: "Not Available"; PolyPhen-2: "Probably Damaging"; Align-GVGD: "Not Available". The aspartic acid amino acid residue is found in multiple mammalian species, which suggests that this missense change does not adversely affect protein function. In summary, the available evidence is currently insufficient to determine the role of this variant in disease. Therefore, it has been classified as a Variant of Uncertain Significance.